The following is an entry in ClinVar:

NM_004714.3(DYRK1B):c.1589C>T (p.Ala530Val)

Gene: DYRK1B (dual specificity tyrosine phosphorylation regulated kinase 1B; minus strand). Cytogenetic location: 19q13.2.
Variant type: single nucleotide variant.
Coding change: c.1589C>T on transcript NM_004714.3 (MANE Select); coding-DNA position 1589, C replaced by T.
Protein change: p.Ala530Val; replaces alanine 530 with valine.
Molecular consequence: missense variant.
Genome position (GRCh38, 1-based): chr19:39,826,016, G>A on the plus strand (C>T on the coding strand, the complement: DYRK1B is on the minus strand). VCF-style: chr19-39826016-G-A. GRCh37 (hg19) VCF-style: chr19-40316656-G-A.
Other names: c.1469C>T, p.Ala490Val (NM_006483.3); c.1505C>T, p.Ala502Val (NM_006484.3); short protein forms A490V, A530V, A502V.
Identifiers: ClinVar variation 4978099 (VCV004978099.1).

ClinVar aggregate classification (germline): Uncertain significance (1 of 4 stars; one submission).

Conditions:
DYRK1B-related disorder. Also called: DYRK1B-related condition.

gnomAD v4.1: 8 of 1,522,682 alleles (0.00053%); highest among the groups gnomAD compares: African/African-American, 0.0042%; no homozygotes.

Submission:

PreventionGenetics, part of Exact Sciences
Classification: Uncertain significance for DYRK1B-related condition. Last evaluated: 2026-03-10. Review status: criteria provided, single submitter. Criteria: ACMG Guidelines, 2015. Collection method: clinical testing. Allele origin: germline.
Comment: The DYRK1B c.1589C>T variant is predicted to result in the amino acid substitution p.Ala530Val. To our knowledge, this variant has not been reported in the literature. This variant is reported in 0.012% of alleles in individuals of African descent in gnomAD. At this time, the clinical significance of this variant is uncertain due to the absence of conclusive functional and genetic evidence.